The following is an entry in ClinVar:

NM_173630.4(RTTN):c.1501A>G (p.Met501Val)

Gene: RTTN (rotatin; minus strand). Cytogenetic location: 18q22.2.
Variant type: single nucleotide variant.
Coding change: c.1501A>G on transcript NM_173630.4 (MANE Select); coding-DNA position 1501, A replaced by G.
Protein change: p.Met501Val; replaces methionine 501 with valine.
Molecular consequence: missense variant. On other transcripts: intron variant (1).
Genome position (GRCh38, 1-based): chr18:70,169,043, T>C on the plus strand (A>G on the coding strand, the complement: RTTN is on the minus strand). VCF-style: chr18-70169043-T-C. GRCh37 (hg19) VCF-style: chr18-67836279-T-C.
Other names: c.-1077-70A>G (NM_001318520.2); short protein forms M501V.
Identifiers: ClinVar variation 1907801 (VCV001907801.3), dbSNP rs368417649, ClinGen allele CA8996148.

ClinVar aggregate classification (germline): Uncertain significance (1 of 4 stars; one submission).

Allele frequency attached by ClinVar (database versions not stated): TOPMed 0.00002; gnomAD 0.00004; ESP Exome Variant Server 0.00009; ExAC 0.00020.
gnomAD v4.1: 67 of 1,599,504 alleles (0.0042%); highest among the groups gnomAD compares: Non-Finnish European, 0.0051%; no homozygotes.

Submission:

Labcorp Genetics (formerly Invitae), Labcorp
Classification: Uncertain significance. Last evaluated: 2022-11-08. Review status: criteria provided, single submitter. Criteria: Invitae Variant Classification Sherloc (09022015). Collection method: clinical testing. Allele origin: germline.
Comment: This variant is present in population databases (rs368417649, gnomAD 0.02%). This sequence change replaces methionine, which is neutral and non-polar, with valine, which is neutral and non-polar, at codon 501 of the RTTN protein (p.Met501Val). This variant has not been reported in the literature in individuals affected with RTTN-related conditions. In summary, the available evidence is currently insufficient to determine the role of this variant in disease. Therefore, it has been classified as a Variant of Uncertain Significance. Advanced modeling of protein sequence and biophysical properties (such as structural, functional, and spatial information, amino acid conservation, physicochemical variation, residue mobility, and thermodynamic stability) performed at Invitae indicates that this missense variant is not expected to disrupt RTTN protein function.